The following is an entry in ClinVar:

ClinVar aggregate classification (germline): Pathogenic (1 of 4 stars; one submission).

Submission:

ISCA site 14
Classification: Pathogenic. Last evaluated: 2011-08-12. Review status: criteria provided, single submitter. Criteria: Kaminsky et al. (Genet Med. 2011). Collection method: clinical testing. Allele origin: de novo. Affected: yes. Observed: 1 variant allele.
Comment: Copy number variation identified through the course of routine clinical cytogenomic testing in postnatal populations. Clinical assertions have been curated as described in Kaminsky et al. 2011.

GRCh38/hg38 3p22.3-22.2(chr3:33062199-36829440)x1

Genes: ARPP21 (cAMP regulated phosphoprotein 21; plus strand), ARPP21-AS1 (ARPP21 antisense RNA 1; minus strand), CLASP2 (cytoplasmic linker associated protein 2; minus strand), CRTAP (cartilage associated protein; plus strand), DCLK3 (doublecortin like kinase 3; minus strand) and 51 more. Cytogenetic location: 3p22.3-22.2.
Variant type: copy number loss.
Change: copy number 1 (one copy instead of two) of chr3:33,062,199-36,829,440 (3.77 Mb, GRCh38 coordinates, 1-based), cytogenetic band 3p22.3-22.2.
Identifiers: ClinVar variation 57770 (VCV000057770.1).